The following is an entry in ClinVar:

ClinVar aggregate classification (germline): Likely benign (1 of 4 stars; one submission).

Submission:

CeGaT Center for Human Genetics Tuebingen
Classification: Likely benign. Last evaluated: 2022-10-01. Review status: criteria provided, single submitter. Criteria: CeGaT Center For Human Genetics Tuebingen Variant Classification Criteria Version 2. Collection method: clinical testing. Allele origin: germline. Affected: yes. Observed: 1 variant allele.
Comment: XIST: BS2

NC_000023.11:g.73852757G>T

Variant type: single nucleotide variant.
Genome position: GRCh38 VCF-style: chrX-73852757-G-T. GRCh37 (hg19) VCF-style: chrX-73072592-G-T.
Identifiers: ClinVar variation 2660924 (VCV002660924.23), dbSNP rs773396320, ClinGen allele CA10454104.
Genomic context (GRCh38, chrX:73,852,757, plus strand): 5'-CGAGAGAGTAAGAAATATGGCTGCAGCAGCGAATTGCAGCGCTTTAAGAACTGAAGGGGG[G>T]GCTGAGGGCGGAGAGAGCATAAGAGGCGTGGCCTAGAAGATTGAAAGCCGGACATCTTTG-3'